The following is an entry in ClinVar:

ClinVar aggregate classification (germline): Uncertain significance (1 of 4 stars; one submission).

Submission:

GeneDx
Classification: Uncertain significance. Last evaluated: 2024-07-26. Review status: criteria provided, single submitter. Criteria: GeneDx Variant Classification Process June 2021. Collection method: clinical testing. Allele origin: germline. Affected: yes.
Comment: Not observed at significant frequency in large population cohorts (gnomAD); In silico analysis indicates that this missense variant does not alter protein structure/function; Has not been previously published as pathogenic or benign to our knowledge

NM_152296.5(ATP1A3):c.1183G>A (p.Asp395Asn)

Gene: ATP1A3 (ATPase Na+/K+ transporting subunit alpha 3; minus strand). Cytogenetic location: 19q13.2.
Variant type: single nucleotide variant.
Coding change: c.1183G>A on transcript NM_152296.5 (MANE Select); coding-DNA position 1183, G replaced by A.
Protein change: p.Asp395Asn; replaces aspartic acid 395 with asparagine.
Molecular consequence: missense variant.
Genome position (GRCh38, 1-based): chr19:41,981,917, C>T on the plus strand (G>A on the coding strand, the complement: ATP1A3 is on the minus strand). VCF-style: chr19-41981917-C-T. GRCh37 (hg19) VCF-style: chr19-42486069-C-T.
Other names: c.1216G>A, p.Asp406Asn (NM_001256213.2); c.1222G>A, p.Asp408Asn (NM_001256214.2); short protein forms D395N, D406N, D408N.
Identifiers: ClinVar variation 3600593 (VCV003600593.1).